The following is an entry in ClinVar:

NM_003738.5(PTCH2):c.3183C>T (p.Pro1061=)

Gene: PTCH2 (patched 2; minus strand). Cytogenetic location: 1p34.1.
Variant type: single nucleotide variant.
Coding change: c.3183C>T on transcript NM_003738.5 (MANE Select); coding-DNA position 3183, C replaced by T.
Protein change: p.Pro1061=; no amino-acid change (proline 1061 retained).
Molecular consequence: synonymous variant.
Genome position (GRCh38, 1-based): chr1:44,823,317, G>A on the plus strand (C>T on the coding strand, the complement: PTCH2 is on the minus strand). VCF-style: chr1-44823317-G-A. GRCh37 (hg19) VCF-style: chr1-45288989-G-A.
Other names: c.3183C>T, p.Pro1061= (NM_001166292.2).
Identifiers: ClinVar variation 806130 (VCV000806130.47), dbSNP rs201010330, ClinGen allele CA822774.

ClinVar aggregate classification (germline): Likely benign. Review status: criteria provided, multiple submitters, no conflicts (2 of 4 stars). 2 submissions from 2 submitters: Likely benign (2). Last evaluated 2025-11-27.

Conditions:
Gorlin syndrome. Also called: Basal cell nevus syndrome; Nevoid Basal Cell Carcinoma Syndrome. Identifiers: Orphanet 377, MedGen C0004779, MONDO:0007187.

Allele frequency attached by ClinVar (database versions not stated): TOPMed 0.00008; gnomAD 0.00012 and 0.00013.

Submissions (2):

Labcorp Genetics (formerly Invitae), Labcorp
Classification: Likely benign for Gorlin syndrome. Last evaluated: 2025-11-27. Review status: criteria provided, single submitter. Criteria: Invitae Variant Classification Sherloc (09022015). Collection method: clinical testing. Allele origin: germline.

CeGaT Center for Human Genetics Tuebingen
Classification: Likely benign. Last evaluated: 2025-01-01. Review status: criteria provided, single submitter. Criteria: CeGaT Center For Human Genetics Tuebingen Variant Classification Criteria Version 2. Collection method: clinical testing. Allele origin: germline. Affected: yes. Observed: 5 variant alleles.
Comment: PTCH2: BP4, BP7